The following is an entry in ClinVar:

NM_004104.5(FASN):c.1909G>C (p.Gly637Arg)

Gene: FASN (fatty acid synthase; minus strand). Cytogenetic location: 17q25.3.
Variant type: single nucleotide variant.
Coding change: c.1909G>C on transcript NM_004104.5 (MANE Select); coding-DNA position 1909, G replaced by C.
Protein change: p.Gly637Arg; replaces glycine 637 with arginine.
Molecular consequence: missense variant.
Genome position (GRCh38, 1-based): chr17:82,089,688, C>G on the plus strand (G>C on the coding strand, the complement: FASN is on the minus strand). VCF-style: chr17-82089688-C-G. GRCh37 (hg19) VCF-style: chr17-80047564-C-G.
Other names: short protein forms G637R.
Identifiers: ClinVar variation 845190 (VCV000845190.10), dbSNP rs569360175, ClinGen allele CA8852976.

ClinVar aggregate classification (germline): Uncertain significance. Review status: criteria provided, multiple submitters, no conflicts (2 of 4 stars). 2 submissions from 2 submitters: Uncertain significance (2). Last evaluated 2025-12-09.

Conditions:
Epileptic encephalopathy. Identifiers: MedGen C0543888, HP:0200134.

Allele frequency attached by ClinVar (database versions not stated): ExAC 0.00002; gnomAD exomes 0.00003; TOPMed 0.00014; 1000 Genomes Project 0.00020; 1000 Genomes Project 30x 0.00031.
gnomAD v4.1: 32 of 1,590,248 alleles (0.002%); highest among the groups gnomAD compares: African/African-American, 0.042%; no homozygotes.

Submissions (2):

Labcorp Genetics (formerly Invitae), Labcorp
Classification: Uncertain significance for Epileptic encephalopathy. Last evaluated: 2025-12-09. Review status: criteria provided, single submitter. Criteria: Invitae Variant Classification Sherloc (09022015). Collection method: clinical testing. Allele origin: germline.
Comment: This sequence change replaces glycine, which is neutral and non-polar, with arginine, which is basic and polar, at codon 637 of the FASN protein (p.Gly637Arg). This variant is present in population databases (rs569360175, gnomAD 0.04%). This variant has not been reported in the literature in individuals affected with FASN-related conditions. ClinVar contains an entry for this variant (Variation ID: 845190). An algorithm developed to predict the effect of missense changes on protein structure and function (PolyPhen-2) suggests that this variant is likely to be disruptive. In summary, the available evidence is currently insufficient to determine the role of this variant in disease. Therefore, it has been classified as a Variant of Uncertain Significance.

Ambry Genetics
Classification: Uncertain significance. Last evaluated: 2024-08-08. Review status: criteria provided, single submitter. Criteria: Ambry Variant Classification Scheme 2023. Collection method: clinical testing. Allele origin: germline.